The following is an entry in ClinVar:

ClinVar aggregate classification (germline): Uncertain significance. Review status: criteria provided, multiple submitters, no conflicts (2 of 4 stars). 2 submissions from 2 submitters: Uncertain significance (2). Last evaluated 2022-08-05.

Allele frequency attached by ClinVar (database versions not stated): gnomAD exomes 0.00001; ExAC 0.00003; TOPMed 0.00006; gnomAD 0.00008; 1000 Genomes Project 30x 0.00016; 1000 Genomes Project 0.00020.
gnomAD v4.1: 22 of 1,604,820 alleles (0.0014%); highest among the groups gnomAD compares: African/African-American, 0.026%; no homozygotes.

Submissions (2):

Labcorp Genetics (formerly Invitae), Labcorp
Classification: Uncertain significance. Last evaluated: 2022-08-05. Review status: criteria provided, single submitter. Criteria: Invitae Variant Classification Sherloc (09022015). Collection method: clinical testing. Allele origin: germline.
Comment: In summary, the available evidence is currently insufficient to determine the role of this variant in disease. Therefore, it has been classified as a Variant of Uncertain Significance. Algorithms developed to predict the effect of missense changes on protein structure and function output the following: SIFT: "Deleterious"; PolyPhen-2: "Benign"; Align-GVGD: "Class C0". The serine amino acid residue is found in multiple mammalian species, which suggests that this missense change does not adversely affect protein function. This variant has not been reported in the literature in individuals affected with REST-related conditions. This variant is present in population databases (rs201189406, gnomAD 0.02%). This sequence change replaces alanine, which is neutral and non-polar, with serine, which is neutral and polar, at codon 637 of the REST protein (p.Ala637Ser).

GeneDx
Classification: Uncertain significance. Last evaluated: 2022-03-24. Review status: criteria provided, single submitter. Criteria: GeneDx Variant Classification Process June 2021. Collection method: clinical testing. Allele origin: germline. Affected: yes.
Comment: In silico analysis supports that this missense variant does not alter protein structure/function; Has not been previously published as pathogenic or benign to our knowledge

NM_005612.5(REST):c.1909G>T (p.Ala637Ser)

Gene: REST (RE1 silencing transcription factor; plus strand). Cytogenetic location: 4q12.
Variant type: single nucleotide variant.
Coding change: c.1909G>T on transcript NM_005612.5 (MANE Select); coding-DNA position 1909, G replaced by T.
Protein change: p.Ala637Ser; replaces alanine 637 with serine.
Molecular consequence: missense variant.
Genome position (GRCh38, 1-based): chr4:56,930,767, G>T. VCF-style: chr4-56930767-G-T. GRCh37 (hg19) VCF-style: chr4-57796933-G-T.
Other names: c.1909G>T, p.Ala637Ser (NM_001193508.2, NM_001363453.3); short protein forms A637S.
Identifiers: ClinVar variation 1706653 (VCV001706653.7), dbSNP rs201189406, ClinGen allele CA2932349.